The following is an entry in ClinVar:

NM_030958.3(SLCO5A1):c.1196C>T (p.Ser399Leu)

Gene: SLCO5A1 (solute carrier organic anion transporter family member 5A1; minus strand). Cytogenetic location: 8q13.3.
Variant type: single nucleotide variant.
Coding change: c.1196C>T on transcript NM_030958.3 (MANE Select); coding-DNA position 1196, C replaced by T.
Protein change: p.Ser399Leu; replaces serine 399 with leucine.
Molecular consequence: missense variant.
Genome position (GRCh38, 1-based): chr8:69,755,486, G>A on the plus strand (C>T on the coding strand, the complement: SLCO5A1 is on the minus strand). VCF-style: chr8-69755486-G-A. GRCh37 (hg19) VCF-style: chr8-70667721-G-A.
Other names: c.1196C>T, p.Ser399Leu (NM_001146008.2, NM_001146009.1); short protein forms S399L.
Identifiers: ClinVar variation 1522346 (VCV001522346.6), dbSNP rs756049926, ClinGen allele CA4776639.

ClinVar aggregate classification (germline): Uncertain significance (1 of 4 stars; one submission).

Allele frequency attached by ClinVar (database versions not stated): ExAC 0.00001; gnomAD 0.00001; TOPMed 0.00001.
gnomAD v4.1: 15 of 1,613,870 alleles (0.00093%); highest among the groups gnomAD compares: Non-Finnish European, 0.00034%; no homozygotes.

Submission:

Labcorp Genetics (formerly Invitae), Labcorp
Classification: Uncertain significance. Last evaluated: 2022-02-08. Review status: criteria provided, single submitter. Criteria: Invitae Variant Classification Sherloc (09022015). Collection method: clinical testing. Allele origin: germline.
Comment: In summary, the available evidence is currently insufficient to determine the role of this variant in disease. Therefore, it has been classified as a Variant of Uncertain Significance. Algorithms developed to predict the effect of missense changes on protein structure and function are either unavailable or do not agree on the potential impact of this missense change (SIFT: "Deleterious"; PolyPhen-2: "Benign"; Align-GVGD: "Class C0"). This sequence change replaces serine, which is neutral and polar, with leucine, which is neutral and non-polar, at codon 399 of the SLCO5A1 protein (p.Ser399Leu). This variant is present in population databases (rs756049926, gnomAD 0.04%). This variant has not been reported in the literature in individuals affected with SLCO5A1-related conditions.